The following is an entry in ClinVar:

NM_005732.4(RAD50):c.3622T>A (p.Leu1208Ile)

Genes: TH2LCRR (T helper type 2 locus control region associated RNA; minus strand), TH2-LCR (Th2 cytokine locus control region; plus strand), RAD50 (RAD50 double strand break repair protein; plus strand). Cytogenetic location: 5q31.1.
Variant type: single nucleotide variant.
Coding change: c.3622T>A on transcript NM_005732.4 (MANE Select); coding-DNA position 3622, T replaced by A.
Protein change: p.Leu1208Ile; replaces leucine 1208 with isoleucine.
Molecular consequence: missense variant.
Genome position (GRCh38, 1-based): chr5:132,640,675, T>A. VCF-style: chr5-132640675-T-A. GRCh37 (hg19) VCF-style: chr5-131976367-T-A.
Other names: short protein forms L1208I.
Identifiers: ClinVar variation 1733340 (VCV001733340.2), dbSNP rs2479434557, ClinGen allele CA360933427.

ClinVar aggregate classification (germline): Uncertain significance (1 of 4 stars; one submission).

Conditions:
Hereditary cancer-predisposing syndrome. Also called: Neoplastic Syndromes, Hereditary; Tumor predisposition; Hereditary Cancer Syndrome; Hereditary neoplastic syndrome. Identifiers: Orphanet 140162, MedGen C0027672, MeSH D009386, MONDO:0015356.

Submission:

Ambry Genetics
Classification: Uncertain significance for Hereditary cancer-predisposing syndrome. Last evaluated: 2017-11-14. Review status: criteria provided, single submitter. Criteria: Ambry Variant Classification Scheme 2023. Collection method: clinical testing. Allele origin: germline.
Comment: The p.L1208I variant (also known as c.3622T>A), located in coding exon 24 of the RAD50 gene, results from a T to A substitution at nucleotide position 3622. The leucine at codon 1208 is replaced by isoleucine, an amino acid with highly similar properties. This amino acid position is highly conserved in available vertebrate species. In addition, the in silico prediction for this alteration is inconclusive. Since supporting evidence is limited at this time, the clinical significance of this alteration remains unclear.